The following is an entry in ClinVar:

ClinVar aggregate classification (germline): Likely benign (1 of 4 stars; one submission).

Allele frequency attached by ClinVar (database versions not stated): gnomAD exomes 0.00036; ExAC 0.00112; ESP Exome Variant Server 0.00267; gnomAD 0.00276; 1000 Genomes Project 0.00459; 1000 Genomes Project 30x 0.00593.
gnomAD v4.1: 954 of 1,587,890 alleles (0.06%); highest among the groups gnomAD compares: African/African-American, 0.9%; 79 homozygotes.

Submission:

CeGaT Center for Human Genetics Tuebingen
Classification: Likely benign. Last evaluated: 2023-04-01. Review status: criteria provided, single submitter. Criteria: CeGaT Center For Human Genetics Tuebingen Variant Classification Criteria Version 2. Collection method: clinical testing. Allele origin: germline. Affected: yes. Observed: 3 variant alleles.
Comment: AHNAK2: BP4, BS2

NM_138420.4(AHNAK2):c.5492C>T (p.Pro1831Leu)

Gene: AHNAK2 (AHNAK nucleoprotein 2; minus strand). Cytogenetic location: 14q32.33.
Variant type: single nucleotide variant.
Coding change: c.5492C>T on transcript NM_138420.4 (MANE Select); coding-DNA position 5492, C replaced by T.
Protein change: p.Pro1831Leu; replaces proline 1831 with leucine.
Molecular consequence: missense variant.
Genome position (GRCh38, 1-based): chr14:104,949,959, G>A on the plus strand (C>T on the coding strand, the complement: AHNAK2 is on the minus strand). VCF-style: chr14-104949959-G-A. GRCh37 (hg19) VCF-style: chr14-105416296-G-A.
Other names: c.5192C>T, p.Pro1731Leu (NM_001350929.2); short protein forms P1731L, P1831L.
Identifiers: ClinVar variation 2644794 (VCV002644794.24), dbSNP rs199536287, ClinGen allele CA7381726.